The following continues an entry in ClinVar:

NM_022489.4(INF2):c.653G>A (p.Arg218Gln)

Gene: INF2. ClinVar aggregate classification (germline): Pathogenic/Likely pathogenic. Pathogenic (10); Likely pathogenic (1).

Submissions 11 to 16 of 16:

Neuberg Centre For Genomic Medicine, NCGM
Classification: Pathogenic for Charcot-Marie-Tooth disease dominant intermediate E. Review status: criteria provided, single submitter. Criteria: ACMG Guidelines, 2015. Collection method: clinical testing. Allele origin: germline. Inheritance: Autosomal recessive inheritance. Affected: yes.
Comment: The observed missense c.653G>Ap.Arg218Gln variant in INF2 gene has been reported in individuals affected with INF related disorderBrown EJ, et. al., 2010; Caridi G, et. al., 2014; Connaughton DM, et. al., 2019. Experimental studies have shown that this missense change affects INF2 function Brown EJ, et. al., 2010; Rollason R, et. al.,2016. The p.Arg218Gln variant is absent in gnomAD Exomes database. This variant has been reported to the ClinVar database as Pathogenic multiple submissions. A different missense change at the same codon p.Arg218Trp has been reported to be associated with INF2-related disorderBrown EJ, et. al., 2010. Multiple lines of computational evidence Polyphen - Probably Damaging, SIFT - Damaging and MutationTaster - Disease causing predict damaging effect on protein structure and function for this variant. The reference amino acid in INF2 is predicted as conserved by GERP++ and PhyloP across 100 vertebrates. The amino acid Arg at position 218 is changed to a Gln changing protein sequence and it might alter its composition and physico-chemical properties. For these reasons, this variant has been classified as Pathogenic.

Yale Center for Mendelian Genomics, Yale University
Classification: Pathogenic for Focal segmental glomerulosclerosis 5. Last evaluated: 2019-02-14. Review status: no assertion criteria provided. Collection method: literature only. Allele origin: germline. Affected: yes. Observed: 2 heterozygotes. Study: Yale Center for Mendelian Genomics. Not counted in ClinVar's aggregate classification.

Gharavi Laboratory, Columbia University
Classification: Pathogenic. Last evaluated: 2018-09-16. Review status: no assertion criteria provided. Criteria: ACMG Guidelines, 2015. Collection method: research. Allele origin: germline. Affected: yes. Not counted in ClinVar's aggregate classification.

Bioscientia Institut fuer Medizinische Diagnostik GmbH, Sonic Healthcare
Classification: Pathogenic for Focal segmental glomerulosclerosis 5. Last evaluated: 2018-05-17. Review status: no assertion criteria provided. Collection method: clinical testing. Allele origin: germline. Affected: yes. Not counted in ClinVar's aggregate classification.

OMIM
Classification: Pathogenic for FOCAL SEGMENTAL GLOMERULOSCLEROSIS 5. Last evaluated: 2010-01-01. Review status: no assertion criteria provided. Collection method: literature only. Allele origin: germline. Not counted in ClinVar's aggregate classification.

Genomics England Pilot Project, Genomics England
Classification: Pathogenic for Focal segmental glomerulosclerosis 5. Review status: no assertion criteria provided. Criteria: ACGS Guidelines, 2016. Collection method: clinical testing. Allele origin: germline. Affected: yes. Not counted in ClinVar's aggregate classification.

Literature cited by the submitters: PubMed 20023659 (cited by 6 submitters); PubMed 25165188 (cited by 3 submitters); PubMed 26764407 (cited by Labcorp Genetics (formerly Invitae), Labcorp and Mayo Clinic Laboratories, Mayo Clinic); PubMed 30773290 (cited by 5 submitters); PubMed 29869118 (cited by Ambry Genetics and Mayo Clinic Laboratories, Mayo Clinic); PubMed 30126379 (cited by Ambry Genetics and Mayo Clinic Laboratories, Mayo Clinic); PubMed 30962575 (cited by Ambry Genetics); PubMed 32901917 (cited by Ambry Genetics and Mayo Clinic Laboratories, Mayo Clinic); PubMed 33443052 (cited by Ambry Genetics); PubMed 33712733 (cited by Ambry Genetics and Mayo Clinic Laboratories, Mayo Clinic); PubMed 36506246 (cited by Ambry Genetics); PubMed 32451589 (cited by Victorian Clinical Genetics Services, Murdoch Childrens Research Institute); PubMed 23515051 (cited by Mayo Clinic Laboratories, Mayo Clinic); PubMed 26086034 (cited by Mayo Clinic Laboratories, Mayo Clinic); PubMed 30586318 (cited by Mayo Clinic Laboratories, Mayo Clinic); PubMed 31924668 (cited by Mayo Clinic Laboratories, Mayo Clinic); PubMed 39536114 (cited by OMIM).